The following is an entry in ClinVar:

NM_000179.3(MSH6):c.3752_3755del (p.His1250_Ser1251insTer)

Gene: MSH6 (mutS homolog 6; plus strand). Cytogenetic location: 2p16.3.
Variant type: Microsatellite.
Coding change: c.3752_3755del on transcript NM_000179.3 (MANE Select); coding-DNA positions 3752 to 3755, 4 bases deleted (CATT; older notation c.3752_3755delCATT).
Protein change: p.His1250_Ser1251insTer.
Molecular consequence: nonsense. On other transcripts: frameshift variant (40).
Genome position (GRCh38, 1-based): chr2:47,806,309-47,806,312, CATT deleted; deleting any 4 consecutive bases within chr2:47,806,305-47,806,312 gives the same sequence; the c. name uses the placement nearest the transcript's 3' end. VCF-style (leftmost placement, unchanged base first): chr2-47806304-CCATT-C. GRCh37 (hg19) VCF-style: chr2-48033443-CCATT-C.
Other names: c.2842_2845CATT[1], p.Ser949Terfs (NM_001406812.1, NM_001406815.1, NM_001406814.1 and 4 more transcripts); c.3754_3757CATT[1], p.Ser1253Terfs (NM_001406813.1); c.2182_2185CATT[1], p.Ser729Terfs (NM_001406817.1); c.3451_3454CATT[1], p.Ser1152Terfs (NM_001406818.1, NM_001406819.1, NM_001406797.1 and 10 more transcripts); c.3748_3751CATT[1], p.Ser1251Terfs (NM_000179.2, NM_001406796.1, NM_001406800.1 and 2 more transcripts); c.3362_3365del, p.His1120_Ser1121insTer (NM_001281492.2); c.2846_2849del, p.His948_Ser949insTer (NM_001281493.2, NM_001281494.2); c.3844_3847CATT[1], p.Ser1283Terfs (NM_001406795.1, NM_001406802.1); and 9 more.
Identifiers: ClinVar variation 1734569 (VCV001734569.3), dbSNP rs2530845543, ClinGen allele CA2580611312.

ClinVar aggregate classification (germline): Pathogenic (1 of 4 stars; one submission).

Conditions:
Hereditary cancer-predisposing syndrome. Also called: Neoplastic Syndromes, Hereditary; Tumor predisposition; Hereditary Cancer Syndrome; Hereditary neoplastic syndrome. Identifiers: Orphanet 140162, MedGen C0027672, MeSH D009386, MONDO:0015356.

Submission:

Ambry Genetics
Classification: Pathogenic for Hereditary cancer-predisposing syndrome. Last evaluated: 2024-05-24. Review status: criteria provided, single submitter. Criteria: Ambry Variant Classification Scheme 2023. Collection method: clinical testing. Allele origin: germline.
Comment: The c.3752_3755delCATT pathogenic mutation, located in coding exon 8 of the MSH6 gene, results from a deletion of 4 nucleotides at nucleotide positions 3752 to 3755, causing a translational frameshift with a predicted alternate stop codon (p.S1251*). This alteration is expected to result in loss of function by premature protein truncation or nonsense-mediated mRNA decay. As such, this alteration is interpreted as a disease-causing mutation.